The following is an entry in ClinVar:

ClinVar aggregate classification (germline): Pathogenic/Likely pathogenic. Review status: criteria provided, multiple submitters, no conflicts (2 of 4 stars). 2 submissions from 2 submitters: Pathogenic (1); Likely pathogenic (1). Last evaluated 2025-11-25.

Conditions:
Deficiency of UDPglucose-hexose-1-phosphate uridylyltransferase. Also called: GALACTOSE-1-PHOSPHATE URIDYLYLTRANSFERASE DEFICIENCY; GALACTOSEMIA I; GALT deficiency; Galactosemia, classic; Transferase Deficiency Galactosemia. Identifiers: Orphanet 352, Orphanet 79239, MedGen C0268151, MONDO:0009258, OMIM 230400.
Galactosemia. Also called: Galactose intolerance. Identifiers: Orphanet 352, MedGen C0016952, MONDO:0018116, HP:0004919. Disease mechanism: loss of function.

Submissions (2):

Natera, Inc.
Classification: Likely pathogenic for Galactosemia. Last evaluated: 2025-11-25. Review status: criteria provided, single submitter. Criteria: Natera Variant Classification Schema (03/2026). Collection method: clinical testing. Allele origin: germline.
Comment: The c.428C>G variant in GALT is a missense variant predicted to cause substitution of serine to tryptophan at amino acid 143. This variant is rare in the general population with a frequency below the threshold expected for the associated phenotype(s). This variant has been observed in one or more individuals affected with the associated recessive disease, as either homozygous or compound heterozygous with a second variant (PMID: 22944367). A different variant at the same position has been determined to be Pathogenic or Likely Pathogenic. Computational prediction algorithms indicate this variant is likely to affect gene or protein function. Given the available evidence, this variant is classified as Likely Pathogenic.

Labcorp Genetics (formerly Invitae), Labcorp
Classification: Pathogenic for Deficiency of UDPglucose-hexose-1-phosphate uridylyltransferase. Last evaluated: 2022-08-09. Review status: criteria provided, single submitter. Criteria: Invitae Variant Classification Sherloc (09022015). Collection method: clinical testing. Allele origin: germline.
Comment: For these reasons, this variant has been classified as Pathogenic. This variant disrupts the p.Ser143 amino acid residue in GALT. Other variant(s) that disrupt this residue have been determined to be pathogenic (PMID: 9222760, 22944367; Invitae). This suggests that this residue is clinically significant, and that variants that disrupt this residue are likely to be disease-causing. Algorithms developed to predict the effect of sequence changes on RNA splicing suggest that this variant may disrupt the consensus splice site. Advanced modeling of protein sequence and biophysical properties (such as structural, functional, and spatial information, amino acid conservation, physicochemical variation, residue mobility, and thermodynamic stability) performed at Invitae indicates that this missense variant is expected to disrupt GALT protein function. ClinVar contains an entry for this variant (Variation ID: 1066673). This missense change has been observed in individual(s) with classic galactosemia (PMID: 22944367; Invitae). This variant is not present in population databases (gnomAD no frequency). This sequence change replaces serine, which is neutral and polar, with tryptophan, which is neutral and slightly polar, at codon 143 of the GALT protein (p.Ser143Trp).

Literature cited by the submitters: PubMed 22944367 (cited by Natera, Inc. and Labcorp Genetics (formerly Invitae), Labcorp); PubMed 9222760 (cited by Labcorp Genetics (formerly Invitae), Labcorp).

NM_000155.4(GALT):c.428C>G (p.Ser143Trp)

Gene: GALT (galactose-1-phosphate uridylyltransferase; plus strand). Cytogenetic location: 9p13.3.
Variant type: single nucleotide variant.
Coding change: c.428C>G on transcript NM_000155.4 (MANE Select); coding-DNA position 428, C replaced by G.
Protein change: p.Ser143Trp; replaces serine 143 with tryptophan.
Molecular consequence: missense variant.
Genome position (GRCh38, 1-based): chr9:34,647,882, C>G. VCF-style: chr9-34647882-C-G. GRCh37 (hg19) VCF-style: chr9-34647879-C-G.
Other names: c.101C>G, p.Ser34Trp (NM_001258332.2); c.428C>G (NM_000155.3); short protein forms S143W, S34W.
Identifiers: ClinVar variation 1066673 (VCV001066673.8), dbSNP rs111033697, ClinGen allele CA373280774.